The following is an entry in ClinVar:

NM_006757.4(TNNT3):c.277A>C (p.Lys93Gln)

Gene: TNNT3 (troponin T3, fast skeletal type; plus strand). Cytogenetic location: 11p15.5.
Variant type: single nucleotide variant.
Coding change: c.277A>C on transcript NM_006757.4 (MANE Select); coding-DNA position 277, A replaced by C.
Protein change: p.Lys93Gln; replaces lysine 93 with glutamine.
Molecular consequence: missense variant.
Genome position (GRCh38, 1-based): chr11:1,933,826, A>C. VCF-style: chr11-1933826-A-C. GRCh37 (hg19) VCF-style: chr11-1955056-A-C.
Other names: c.253A>C, p.Lys85Gln (NM_001042780.3, NM_001042782.3, NM_001297646.2 and 2 more transcripts); c.271A>C, p.Lys91Gln (NM_001042781.3, NM_001367842.1, NM_001367843.1); c.286A>C, p.Lys96Gln (NM_001363561.2, NM_001367847.1); c.310A>C, p.Lys104Gln (NM_001367846.1); c.274A>C, p.Lys92Gln (NM_001367848.1); c.265A>C, p.Lys89Gln (NM_001367849.1); c.220A>C, p.Lys74Gln (NM_001367850.1); c.73A>C, p.Lys25Gln (NM_001367851.1, NM_001367852.1); short protein forms K104Q, K25Q, K74Q, K85Q, K89Q, K91Q, K92Q, K93Q.
Identifiers: ClinVar variation 2502047 (VCV002502047.1), dbSNP rs1854138593, ClinGen allele CA379096709.

ClinVar aggregate classification (germline): Uncertain significance (1 of 4 stars; one submission).

Allele frequency attached by ClinVar (database versions not stated): gnomAD exomes below 0.00001.
gnomAD v4.1: 2 of 1,612,698 alleles (0.00012%); highest among the groups gnomAD compares: Non-Finnish European, 0.000085%; no homozygotes.

Submission:

GeneDx
Classification: Uncertain significance. Last evaluated: 2022-11-11. Review status: criteria provided, single submitter. Criteria: GeneDx Variant Classification Process June 2021. Collection method: clinical testing. Allele origin: germline. Affected: yes.
Comment: Not observed at significant frequency in large population cohorts (gnomAD); In silico analysis supports that this missense variant has a deleterious effect on protein structure/function; Has not been previously published as pathogenic or benign to our knowledge